The following is an entry in ClinVar:

NM_001378454.1(ALMS1):c.7870G>A (p.Ala2624Thr)

Gene: ALMS1 (ALMS1 centrosome and basal body associated protein; plus strand). Cytogenetic location: 2p13.1.
Variant type: single nucleotide variant.
Coding change: c.7870G>A on transcript NM_001378454.1 (MANE Select); coding-DNA position 7870, G replaced by A.
Protein change: p.Ala2624Thr; replaces alanine 2624 with threonine.
Molecular consequence: missense variant.
Genome position (GRCh38, 1-based): chr2:73,489,829, G>A. VCF-style: chr2-73489829-G-A. GRCh37 (hg19) VCF-style: chr2-73716956-G-A.
Other names: c.7873G>A, p.Ala2625Thr (NM_015120.4); short protein forms A2624T, A2625T.
Identifiers: ClinVar variation 2135997 (VCV002135997.1), dbSNP rs375121795, ClinGen allele CA1714361.

ClinVar aggregate classification (germline): Uncertain significance. Review status: criteria provided, multiple submitters, no conflicts (2 of 4 stars). 2 submissions from 2 submitters: Uncertain significance (2). Last evaluated 2022-07-18.

Conditions:
Alstrom syndrome (ALMS). Identifiers: Orphanet 64, MedGen C0268425, MONDO:0008763, OMIM 203800.

Allele frequency attached by ClinVar (database versions not stated): ExAC 0.00001; gnomAD 0.00002; TOPMed 0.00002.
gnomAD v4.1: 15 of 1,614,010 alleles (0.00093%); highest among the groups gnomAD compares: East Asian, 0.027%; no homozygotes.

Submissions (2):

GeneDx
Classification: Uncertain significance. Last evaluated: 2022-07-18. Review status: criteria provided, single submitter. Criteria: GeneDx Variant Classification Process June 2021. Collection method: clinical testing. Allele origin: germline. Affected: yes.
Comment: In silico analysis supports that this missense variant does not alter protein structure/function; Has not been previously published as pathogenic or benign to our knowledge

Labcorp Genetics (formerly Invitae), Labcorp
Classification: Uncertain significance for Alstrom syndrome. Last evaluated: 2022-01-01. Review status: criteria provided, single submitter. Criteria: Invitae Variant Classification Sherloc (09022015). Collection method: clinical testing. Allele origin: germline.
Comment: This sequence change replaces alanine, which is neutral and non-polar, with threonine, which is neutral and polar, at codon 2625 of the ALMS1 protein (p.Ala2625Thr). This variant is present in population databases (rs375121795, gnomAD 0.04%). This variant has not been reported in the literature in individuals affected with ALMS1-related conditions. Experimental studies and prediction algorithms are not available or were not evaluated, and the functional significance of this variant is currently unknown. In summary, the available evidence is currently insufficient to determine the role of this variant in disease. Therefore, it has been classified as a Variant of Uncertain Significance.